The following is an entry in ClinVar:

ClinVar aggregate classification (germline): Uncertain significance (1 of 4 stars; one submission).

gnomAD v4.1: 1 of 1,613,606 alleles (0.000062%); highest among the groups gnomAD compares: Non-Finnish European, 0.000085%; no homozygotes.

Submission:

Labcorp Genetics (formerly Invitae), Labcorp
Classification: Uncertain significance. Last evaluated: 2024-10-23. Review status: criteria provided, single submitter. Criteria: Invitae Variant Classification Sherloc (09022015). Collection method: clinical testing. Allele origin: germline.
Comment: This sequence change replaces methionine, which is neutral and non-polar, with arginine, which is basic and polar, at codon 248 of the ATAD1 protein (p.Met248Arg). This variant is not present in population databases (gnomAD no frequency). This variant has not been reported in the literature in individuals affected with ATAD1-related conditions. ClinVar contains an entry for this variant (Variation ID: 1477644). An algorithm developed to predict the effect of missense changes on protein structure and function (PolyPhen-2) suggests that this variant is likely to be tolerated. In summary, the available evidence is currently insufficient to determine the role of this variant in disease. Therefore, it has been classified as a Variant of Uncertain Significance.

NM_001321967.2(ATAD1):c.743T>G (p.Met248Arg)

Gene: ATAD1 (ATPase family AAA domain containing 1; minus strand). Cytogenetic location: 10q23.31.
Variant type: single nucleotide variant.
Coding change: c.743T>G on transcript NM_001321967.2 (MANE Select); coding-DNA position 743, T replaced by G.
Protein change: p.Met248Arg; replaces methionine 248 with arginine.
Molecular consequence: missense variant. On other transcripts: non-coding transcript variant (1), intron variant (1).
Genome position (GRCh38, 1-based): chr10:87,770,989, A>C on the plus strand (T>G on the coding strand, the complement: ATAD1 is on the minus strand). VCF-style: chr10-87770989-A-C. GRCh37 (hg19) VCF-style: chr10-89530746-A-C.
Other names: c.386T>G, p.Met129Arg (NM_001321969.2); c.743T>G, p.Met248Arg (NM_032810.4); c.691-3266T>G (NM_001321968.2); short protein forms M248R, M129R.
Identifiers: ClinVar variation 1477644 (VCV001477644.6), dbSNP rs1391181375, ClinGen allele CA377489051.